The following is an entry in ClinVar:

ClinVar aggregate classification (germline): Uncertain significance (1 of 4 stars; one submission).

Allele frequency attached by ClinVar (database versions not stated): ExAC 0.00002.
gnomAD v4.1: 1 of 1,604,826 alleles (0.000062%); highest among the groups gnomAD compares: Admixed American, 0.0017%; no homozygotes.

Submission:

GeneDx
Classification: Uncertain significance. Last evaluated: 2022-12-29. Review status: criteria provided, single submitter. Criteria: GeneDx Variant Classification Process June 2021. Collection method: clinical testing. Allele origin: germline. Affected: yes.
Comment: Not observed at significant frequency in large population cohorts (gnomAD); In silico analysis supports that this missense variant does not alter protein structure/function; Has not been previously published as pathogenic or benign to our knowledge

NM_020686.6(ABAT):c.8C>A (p.Ser3Tyr)

Gene: ABAT (4-aminobutyrate aminotransferase; plus strand). Cytogenetic location: 16p13.2.
Variant type: single nucleotide variant.
Coding change: c.8C>A on transcript NM_020686.6 (MANE Select); coding-DNA position 8, C replaced by A.
Protein change: p.Ser3Tyr; replaces serine 3 with tyrosine.
Molecular consequence: missense variant. On other transcripts: intron variant (3).
Genome position (GRCh38, 1-based): chr16:8,735,747, C>A. VCF-style: chr16-8735747-C-A. GRCh37 (hg19) VCF-style: chr16-8829604-C-A.
Other names: c.8C>A, p.Ser3Tyr (NM_000663.5, NM_001127448.2, NM_001386600.1 and 13 more transcripts); c.-65-10254C>A (NM_001386611.1, NM_001386612.1, NM_001386613.1); short protein forms S3Y.
Identifiers: ClinVar variation 2507288 (VCV002507288.1), dbSNP rs762912862, ClinGen allele CA7892908.